The following is an entry in ClinVar:

NM_001844.5(COL2A1):c.2491G>A (p.Gly831Arg)

Gene: COL2A1 (collagen type II alpha 1 chain; minus strand). Cytogenetic location: 12q13.11.
Variant type: single nucleotide variant.
Coding change: c.2491G>A on transcript NM_001844.5 (MANE Select); coding-DNA position 2491, G replaced by A.
Protein change: p.Gly831Arg; replaces glycine 831 with arginine.
Molecular consequence: missense variant.
Genome position (GRCh38, 1-based): chr12:47,980,941, C>T on the plus strand (G>A on the coding strand, the complement: COL2A1 is on the minus strand). VCF-style: chr12-47980941-C-T. GRCh37 (hg19) VCF-style: chr12-48374724-C-T.
Other names: c.2284G>A, p.Gly762Arg (NM_033150.3); short protein forms G831R, G762R.
Identifiers: ClinVar variation 423853 (VCV000423853.8), dbSNP rs1064796660, ClinGen allele CA16619525.
Genomic context (GRCh38, chr12:47,980,941, plus strand): 5'-GGAGGGACCCAGGAGGATGGACAGAGATACTCACAGGAGGCCCAGCAAATCCCGCTGGTC[C>T]GGGGGGCCCAGTCTCTCCACGTTCACCCTGTGAGAGAAGGGGGCATGGCGAGAGGTCAGG-3'
Protein context (NP_001835.3, residues 821-841): PGERGETGPP[Gly831Arg]PAGFAGPPGA

ClinVar aggregate classification (germline): Pathogenic/Likely pathogenic. Review status: criteria provided, multiple submitters, no conflicts (2 of 4 stars). 3 submissions from 3 submitters: Pathogenic (2); Likely pathogenic (1). Last evaluated 2023-03-07.

Conditions:
COL2A1-related disorder. Also called: COL2A1-related condition; COL2A1-related disorders.

Submissions (3):

GeneDx
Classification: Pathogenic. Last evaluated: 2023-03-07. Review status: criteria provided, single submitter. Criteria: GeneDx Variant Classification Process June 2021. Collection method: clinical testing. Allele origin: germline. Affected: yes.
Comment: Occurs in the triple helical domain and replaces a glycine in a canonical Gly-X-Y repeat; missense substitution of a canonical glycine residue is expected to disrupt normal protein folding and function, and this is an established mechanism of disease (Jovanovic et al., 2021); Not observed at significant frequency in large population cohorts (gnomAD); In silico analysis supports that this missense variant has a deleterious effect on protein structure/function; This variant is associated with the following publications: (PMID: 26443184, 34007986, 31972903, 26626311)

Institute for Clinical Genetics, University Hospital TU Dresden, University Hospital TU Dresden
Classification: Pathogenic. Last evaluated: 2021-11-03. Review status: criteria provided, single submitter. Criteria: ACMG Guidelines, 2015. Collection method: clinical testing. Allele origin: germline.

Blueprint Genetics
Classification: Likely pathogenic for COL2A1-related disorders. Last evaluated: 2018-04-09. Review status: criteria provided, single submitter. Criteria: ACMG Guidelines, 2015. Collection method: clinical testing. Allele origin: germline. Affected: yes. Observed: 1 variant allele.